The following is an entry in ClinVar:

NM_015164.4(PLEKHM2):c.1538C>A (p.Thr513Lys)

Gene: PLEKHM2 (pleckstrin homology and RUN domain containing M2; plus strand). Cytogenetic location: 1p36.21.
Variant type: single nucleotide variant.
Coding change: c.1538C>A on transcript NM_015164.4 (MANE Select); coding-DNA position 1538, C replaced by A.
Protein change: p.Thr513Lys; replaces threonine 513 with lysine.
Molecular consequence: missense variant.
Genome position (GRCh38, 1-based): chr1:15,727,610, C>A. VCF-style: chr1-15727610-C-A. GRCh37 (hg19) VCF-style: chr1-16054105-C-A.
Other names: c.1478C>A, p.Thr493Lys (NM_001410755.1); short protein forms T493K, T513K.
Identifiers: ClinVar variation 2803692 (VCV002803692.3), dbSNP rs373517149, ClinGen allele CA338587632.
Genomic context (GRCh38, chr1:15,727,610, plus strand): 5'-TTCCTAGTAGCCCTGAGGCTGCTGGCCAAGAAGAAGAGGGAGGAGGAGGAGAGGGACAGA[C>A]GCCTCGGCCCCTAGAGGATACCACGAGGGAGGCTCAGGAGCTGGAGGCCCAGCTGTCCCT-3'
Protein context (NP_055979.2, residues 503-523): EEEGGGGEGQ[Thr513Lys]PRPLEDTTRE

ClinVar aggregate classification (germline): Uncertain significance (1 of 4 stars; one submission).

gnomAD v4.1: 1 of 1,584,674 alleles (0.000063%); highest among the groups gnomAD compares: African/African-American, 0.0013%; no homozygotes.

Submission:

Labcorp Genetics (formerly Invitae), Labcorp
Classification: Uncertain significance. Last evaluated: 2023-01-14. Review status: criteria provided, single submitter. Criteria: Invitae Variant Classification Sherloc (09022015). Collection method: clinical testing. Allele origin: germline.
Comment: In summary, the available evidence is currently insufficient to determine the role of this variant in disease. Therefore, it has been classified as a Variant of Uncertain Significance. Algorithms developed to predict the effect of missense changes on protein structure and function (SIFT, PolyPhen-2, Align-GVGD) all suggest that this variant is likely to be tolerated. This variant has not been reported in the literature in individuals affected with PLEKHM2-related conditions. This variant is not present in population databases (gnomAD no frequency). This sequence change replaces threonine, which is neutral and polar, with lysine, which is basic and polar, at codon 513 of the PLEKHM2 protein (p.Thr513Lys).